The following is an entry in ClinVar:

ClinVar aggregate classification (germline): Uncertain significance (1 of 4 stars; one submission).

Conditions:
Anophthalmia/microphthalmia-esophageal atresia syndrome (MCOPS3). Also called: SOX2 Disorder; MICROPHTHALMIA AND ESOPHAGEAL ATRESIA SYNDROME; AEG SYNDROME. Identifiers: Orphanet 77298, MedGen C1859773, MONDO:0008799, OMIM 206900.

Allele frequency attached by ClinVar (database versions not stated): gnomAD 0.00001; gnomAD exomes 0.00001.
gnomAD v4.1: 4 of 1,607,926 alleles (0.00025%); highest among the groups gnomAD compares: Admixed American, 0.0051%; no homozygotes.

Submission:

Labcorp Genetics (formerly Invitae), Labcorp
Classification: Uncertain significance for Anophthalmia/microphthalmia-esophageal atresia syndrome. Last evaluated: 2022-10-24. Review status: criteria provided, single submitter. Criteria: Invitae Variant Classification Sherloc (09022015). Collection method: clinical testing. Allele origin: germline.
Comment: This variant has not been reported in the literature in individuals affected with SOX2-related conditions. This variant is present in population databases (no rsID available, gnomAD 0.006%). This sequence change replaces alanine, which is neutral and non-polar, with threonine, which is neutral and polar, at codon 29 of the SOX2 protein (p.Ala29Thr). Algorithms developed to predict the effect of missense changes on protein structure and function are either unavailable or do not agree on the potential impact of this missense change (SIFT: "Deleterious"; PolyPhen-2: "Benign"; Align-GVGD: "Class C0"). In summary, the available evidence is currently insufficient to determine the role of this variant in disease. Therefore, it has been classified as a Variant of Uncertain Significance.

NM_003106.4(SOX2):c.85G>A (p.Ala29Thr)

Genes: SOX2-OT (SOX2 overlapping transcript; plus strand), SOX2 (SRY-box transcription factor 2; plus strand), LOC108281177 (SOX2 5' regulatory region; plus strand). Cytogenetic location: 3q26.33.
Variant type: single nucleotide variant.
Coding change: c.85G>A on transcript NM_003106.4 (MANE Select); coding-DNA position 85, G replaced by A.
Protein change: p.Ala29Thr; replaces alanine 29 with threonine.
Molecular consequence: missense variant.
Genome position (GRCh38, 1-based): chr3:181,712,445, G>A. VCF-style: chr3-181712445-G-A. GRCh37 (hg19) VCF-style: chr3-181430233-G-A.
Other names: short protein forms A29T.
Identifiers: ClinVar variation 1966260 (VCV001966260.5), dbSNP rs1470195221, ClinGen allele CA355473085.